The following is an entry in ClinVar:

NM_000257.4(MYH7):c.3592G>A (p.Asp1198Asn)

Gene: MYH7 (myosin heavy chain 7; minus strand). Cytogenetic location: 14q11.2.
Variant type: single nucleotide variant.
Coding change: c.3592G>A on transcript NM_000257.4 (MANE Select); coding-DNA position 3592, G replaced by A.
Protein change: p.Asp1198Asn; replaces aspartic acid 1198 with asparagine.
Molecular consequence: missense variant.
Genome position (GRCh38, 1-based): chr14:23,419,979, C>T on the plus strand (G>A on the coding strand, the complement: MYH7 is on the minus strand). VCF-style: chr14-23419979-C-T. GRCh37 (hg19) VCF-style: chr14-23889188-C-T.
Other names: p.D1198N:GAC>AAC; short protein forms D1198N.
Identifiers: ClinVar variation 181227 (VCV000181227.20), dbSNP rs730880778, ClinGen allele CA013820.
Genomic context (GRCh38, chr14:23,419,979, plus strand): 5'-CCAGCTTCTGCTTCACCCGCTGCAGGTTGTCGATCTGCTCGCCCAGCTCGGCCACGCTGT[C>T]GGCGTGCTTCTTGCGCAGGGCCGCGGCAGTGGCCTCGTGCTGCAGCGTGGCCTCCTCCAG-3'
Protein context (NP_000248.2, residues 1188-1208): TAAALRKKHA[Asp1198Asn]SVAELGEQID

ClinVar aggregate classification (germline): Uncertain significance. Review status: criteria provided, multiple submitters, no conflicts (2 of 4 stars). 6 submissions from 6 submitters: Uncertain significance (5). 1 of the submissions does not count toward it. Last evaluated 2026-06-02.

Conditions:
MYH7-related disorder. Also called: MYH7-related disorders; MYH7-related condition; MYH7-related disease.
Cardiomyopathy (CMYO). Also called: Cardiomyopathies. Identifiers: Orphanet 167848, MedGen C0878544, MONDO:0004994, HP:0001638. Inheritance: Various modes of inheritance.
Hypertrophic cardiomyopathy. Also called: HYPERTROPHIC MYOCARDIOPATHY. Identifiers: Orphanet 217569, MedGen C0007194, MeSH D002312, MONDO:0005045, HP:0001639.

Allele frequency attached by ClinVar (database versions not stated): TOPMed below 0.00001.

Submissions (6):

GeneDx
Classification: Uncertain significance. Last evaluated: 2026-06-02. Review status: criteria provided, single submitter. Criteria: GeneDx Variant Classification Process June 2021. Collection method: clinical testing. Allele origin: germline.
Comment: Has not been previously published as pathogenic or benign to our knowledge; Not observed at significant frequency in large population cohorts (gnomAD); In silico analysis supports that this missense variant has a deleterious effect on protein structure/function

Labcorp Genetics (formerly Invitae), Labcorp
Classification: Uncertain significance for Hypertrophic cardiomyopathy. Last evaluated: 2025-09-23. Review status: criteria provided, single submitter. Criteria: Invitae Variant Classification Sherloc (09022015). Collection method: clinical testing. Allele origin: germline.
Comment: This sequence change replaces aspartic acid, which is acidic and polar, with asparagine, which is neutral and polar, at codon 1198 of the MYH7 protein (p.Asp1198Asn). This variant is not present in population databases (gnomAD no frequency). This variant has not been reported in the literature in individuals affected with MYH7-related conditions. ClinVar contains an entry for this variant (Variation ID: 181227). Invitae Evidence Modeling of protein sequence and biophysical properties (such as structural, functional, and spatial information, amino acid conservation, physicochemical variation, residue mobility, and thermodynamic stability) indicates that this missense variant is expected to disrupt MYH7 protein function with a positive predictive value of 95%. In summary, the available evidence is currently insufficient to determine the role of this variant in disease. Therefore, it has been classified as a Variant of Uncertain Significance.

Color Diagnostics, LLC DBA Color Health
Classification: Uncertain significance for Cardiomyopathy. Last evaluated: 2024-11-07. Review status: criteria provided, single submitter. Criteria: ACMG Guidelines, 2015. Collection method: clinical testing. Allele origin: germline.
Comment: This missense variant replaces aspartic acid with asparagine at codon 1198 of the MYH7 protein. Computational prediction suggests that this variant may have a deleterious impact on protein structure and function. To our knowledge, functional studies have not been reported for this variant. This variant has not been reported in individuals affected with MYH7-related disorders in the literature. This variant has not been identified in the general population by the Genome Aggregation Database (gnomAD). The available evidence is insufficient to determine the role of this variant in disease conclusively. Therefore, this variant is classified as a Variant of Uncertain Significance.

All of Us Research Program, National Institutes of Health
Classification: Uncertain significance for Cardiomyopathy. Last evaluated: 2023-07-10. Review status: criteria provided, single submitter. Criteria: ACMG Guidelines, 2015. Collection method: clinical testing. Allele origin: germline. Inheritance: Autosomal dominant inheritance. Observed: 1 variant allele, 1 heterozygote.
Comment: This missense variant replaces aspartic acid with asparagine at codon 1198 of the MYH7 protein. Computational prediction suggests that this variant may have a deleterious impact on protein structure and function (internally defined REVEL score threshold >= 0.7, PMID: 27666373). To our knowledge, functional studies have not been reported for this variant. This variant has not been reported in individuals affected with MYH7-related disorders in the literature. This variant has not been identified in the general population by the Genome Aggregation Database (gnomAD). The available evidence is insufficient to determine the role of this variant in disease conclusively. Therefore, this variant is classified as a Variant of Uncertain Significance.

This study involves interpretation of variants in research participants for the purpose of population health screening. Participant phenotype was not available at the time of variant classification. Additional details can be found in publication PMID: 35346344, PMCID: PMC8962531

Mayo Clinic Laboratories, Mayo Clinic
Classification: Uncertain significance. Last evaluated: 2022-01-11. Review status: criteria provided, single submitter. Criteria: ACMG Guidelines, 2015. Collection method: clinical testing. Allele origin: germline.

PreventionGenetics, part of Exact Sciences
Classification: Uncertain significance for MYH7-related condition. Last evaluated: 2024-01-10. Review status: no assertion criteria provided. Collection method: clinical testing. Allele origin: germline. Not counted in ClinVar's aggregate classification.
Comment: The MYH7 c.3592G>A variant is predicted to result in the amino acid substitution p.Asp1198Asn. To our knowledge, this variant has not been reported in the literature or in a large population database, indicating this variant is rare. Different nucleotide substitutions affecting the same amino acid (p.Asp1198Tyr and p.Asp1198Gly) have been reported in individuals with hypertrophic cardiomyopathy (Table S1A, Walsh et al. 2017. PubMed ID: 27532257; Table S2, Burns et al. 2017. PubMed ID: 28790153). At this time, the clinical significance of the c.3592G>A (p.Asp1198Asn) variant is uncertain due to the absence of conclusive functional and genetic evidence.